The following is an entry in ClinVar:

ClinVar aggregate classification (germline): Benign/Likely benign. Review status: criteria provided, multiple submitters, no conflicts (2 of 4 stars). 2 submissions from 2 submitters: Benign (1); Likely benign (1). Last evaluated 2025-12-24.

Conditions:
Dilated cardiomyopathy 1G (CMD1G). Identifiers: Orphanet 154, MedGen C1858763, MONDO:0011400, OMIM 604145.
Autosomal recessive limb-girdle muscular dystrophy type 2J (LGMDR10). Also called: Limb-girdle muscular dystrophy, type 2J; MUSCULAR DYSTROPHY, LIMB-GIRDLE, AUTOSOMAL RECESSIVE 10. Identifiers: Orphanet 140922, MedGen C1837342, MONDO:0012127, OMIM 608807.

Submissions (2):

Labcorp Genetics (formerly Invitae), Labcorp
Classification: Benign for Dilated cardiomyopathy 1G; Autosomal recessive limb-girdle muscular dystrophy type 2J. Last evaluated: 2025-12-24. Review status: criteria provided, single submitter. Criteria: Invitae Variant Classification Sherloc (09022015). Collection method: clinical testing. Allele origin: germline.

Laboratory for Molecular Medicine, Mass General Brigham Personalized Medicine
Classification: Likely benign. Last evaluated: 2014-03-24. Review status: criteria provided, single submitter. Criteria: LMM Criteria. Collection method: clinical testing. Allele origin: germline. Observed: 1 variant allele.
Comment: 29440+15delA in intron 133 of TTN: This variant is not expected to have clinical significance because it does not alter an amino acid residue and is not located within the splice consensus sequence.

NM_001267550.2(TTN):c.33172+15del

Gene: TTN (titin; minus strand). Cytogenetic location: 2q31.2.
Variant type: Deletion.
Coding change: c.33172+15del on transcript NM_001267550.2 (MANE Select); 15 bases into the intron after coding-DNA position 33172, one base deleted (A; older notation c.33172+15delA).
Molecular consequence: intron variant.
Genome position (GRCh38, 1-based): chr2:178,681,646, T deleted on the plus strand (A on the coding strand, the reverse complement: TTN is on the minus strand); the first of 7 consecutive T bases (chr2:178,681,646-178,681,652); deleting any one gives the same sequence. VCF-style (leftmost placement, unchanged base first): chr2-178681645-GT-G. GRCh37 (hg19) VCF-style: chr2-179546372-GT-G.
Other names: c.29440+15delA (NM_133378.4); c.13283-39329del (NM_003319.4); c.13859-39329del (NM_133437.4); c.13658-39329del (NM_133432.3); c.29440+15del (NM_133378.4); c.32221+15del (NM_001256850.1).
Identifiers: ClinVar variation 179628 (VCV000179628.13), dbSNP rs559323758, ClinGen allele CA184808.
Genomic context (GRCh38, chr2:178,681,645, plus strand): 5'-ACATATATTTTTATAGTAGGACAGACATGGAGGAAACAAAGATCTCTTACAGGTAATAAT[GT>G]TTTTTTCACTCTACCTTTAGCCGGTGGGGCCTTTGGTTTTGTGGGAACTGGTTCTTCTGG-3'